The following is an entry in ClinVar:

NM_004370.6(COL12A1):c.1840C>T (p.Gln614Ter)

Gene: COL12A1 (collagen type XII alpha 1 chain; minus strand). Cytogenetic location: 6q13.
Variant type: single nucleotide variant.
Coding change: c.1840C>T on transcript NM_004370.6 (MANE Select); coding-DNA position 1840, C replaced by T.
Protein change: p.Gln614Ter; replaces glutamine 614 with a stop codon.
Molecular consequence: nonsense. On other transcripts: intron variant (1).
Genome position (GRCh38, 1-based): chr6:75,183,101, G>A on the plus strand (C>T on the coding strand, the complement: COL12A1 is on the minus strand). VCF-style: chr6-75183101-G-A. GRCh37 (hg19) VCF-style: chr6-75892817-G-A.
Other names: c.73+19619C>T (NM_080645.3); short protein forms Q614*.
Identifiers: ClinVar variation 620325 (VCV000620325.3), dbSNP rs1562294703, ClinGen allele CA364768500.
Genomic context (GRCh38, chr6:75,183,101, plus strand): 5'-TCTACTAACCTTTCTTCTTTATAGCTGCCAATTCTTGCTCAATTCTAAGGCAGATAGACT[G>A]TGTGAGTTCAAAAGATATCCTCTGAAAAGCATCAAAATCTTCCACTGTGAACACATGGGT-3'

ClinVar aggregate classification (germline): Likely pathogenic (1 of 4 stars; one submission).

Submission:

GeneDx
Classification: Likely pathogenic. Last evaluated: 2022-02-22. Review status: criteria provided, single submitter. Criteria: GeneDx Variant Classification Process June 2021. Collection method: clinical testing. Allele origin: germline. Affected: yes.
Comment: Nonsense variant predicted to result in protein truncation or nonsense mediated decay in a gene for which loss-of-function is a known mechanism of disease; Not observed at significant frequency in large population cohorts (gnomAD); Has not been previously published as pathogenic or benign to our knowledge